The following is an entry in ClinVar:

ClinVar aggregate classification (germline): Pathogenic/Likely pathogenic. Review status: criteria provided, multiple submitters, no conflicts (2 of 4 stars). 5 submissions from 5 submitters: Pathogenic (1); Likely pathogenic (3). 1 of the submissions does not count toward it. Last evaluated 2025-01-02.

Conditions:
USH2A-related disorder. Also called: USH2A-related disorders; USH2A-related condition. Identifiers: MedGen CN239332.
Retinal dystrophy. Also called: Inherited retinal dystrophy. Identifiers: Orphanet 71862, MedGen C0854723, MeSH D058499, MONDO:0019118, HP:0000556.
Usher syndrome type 2A. Also called: RETINAL DISEASE IN USHER SYNDROME TYPE IIA, MODIFIER OF; USHER SYNDROME, TYPE IIA. Identifiers: Orphanet 231178, Orphanet 886, MedGen C1848634, MONDO:0010169, OMIM 276901.
Retinitis pigmentosa 39 (RP39). Identifiers: Orphanet 791, MedGen C3151138, MONDO:0013436, OMIM 613809.

Allele frequency attached by ClinVar (database versions not stated): gnomAD exomes below 0.00001; ExAC 0.00001; gnomAD 0.00001; TOPMed 0.00001.
gnomAD v4.1: 5 of 1,613,654 alleles (0.00031%); highest among the groups gnomAD compares: African/African-American, 0.0013%; no homozygotes.

Submissions (5):

Myriad Genetics, Inc.
Classification: Likely pathogenic for USH2A-related disorder. Last evaluated: 2025-01-02. Review status: criteria provided, single submitter. Criteria: Myriad Autosomal Dominant, Autosomal Recessive and X-Linked Classification Criteria (2023). Collection method: clinical testing. Allele origin: unknown.
Comment: NM_206933.2(USH2A):c.10421A>G(Y3474C) is a missense variant classified as likely pathogenic in the context of USH2A-related disorders. Y3474C has been observed in cases with relevant disease (PMID: 24265693, 27318125, 32531858, 39462066). Relevant functional assessments of this variant are not available in the literature. Y3474C has been observed in referenced population frequency databases. In summary, NM_206933.2(USH2A):c.10421A>G(Y3474C) is a missense variant that has been observed more frequently in cases with the relevant disease than in healthy populations. Please note: this variant was assessed in the context of healthy population screening.

Labcorp Genetics (formerly Invitae), Labcorp
Classification: Pathogenic. Last evaluated: 2024-12-02. Review status: criteria provided, single submitter. Criteria: Invitae Variant Classification Sherloc (09022015). Collection method: clinical testing. Allele origin: germline.
Comment: This sequence change replaces tyrosine, which is neutral and polar, with cysteine, which is neutral and slightly polar, at codon 3474 of the USH2A protein (p.Tyr3474Cys). This variant is present in population databases (rs749121941, gnomAD 0.0009%). This missense change has been observed in individuals with clinical features of USH2A-related conditions (PMID: 24265693, 27318125; internal data). It has also been observed to segregate with disease in related individuals. ClinVar contains an entry for this variant (Variation ID: 553994). Invitae Evidence Modeling of protein sequence and biophysical properties (such as structural, functional, and spatial information, amino acid conservation, physicochemical variation, residue mobility, and thermodynamic stability) indicates that this missense variant is expected to disrupt USH2A protein function with a positive predictive value of 95%. For these reasons, this variant has been classified as Pathogenic.

Baylor Genetics
Classification: Likely pathogenic for Retinitis pigmentosa 39. Last evaluated: 2023-03-03. Review status: criteria provided, single submitter. Criteria: ACMG Guidelines, 2015. Collection method: clinical testing. Allele origin: unknown.

Institute of Human Genetics, Univ. Regensburg, Univ. Regensburg
Classification: Likely pathogenic for Retinal dystrophy. Last evaluated: 2021-01-01. Review status: criteria provided, single submitter. Criteria: ACMG Guidelines, 2015. Collection method: clinical testing. Allele origin: germline. Affected: yes.

Counsyl
Classification: Uncertain significance for Usher syndrome type 2A; Retinitis pigmentosa 39. Last evaluated: 2017-10-05. Review status: flagged submission. Collection method: clinical testing. Allele origin: unknown. Not counted in ClinVar's aggregate classification.
ClinVar note: Reason: Older and outlier claim with insufficient supporting evidence

Literature cited by the submitters: PubMed 24265693 (cited by 4 submitters); PubMed 27318125 (cited by 3 submitters); PubMed 32531858 (cited by Myriad Genetics, Inc. and Institute of Human Genetics, Univ. Regensburg, Univ. Regensburg); PubMed 39462066 (cited by Myriad Genetics, Inc.); PubMed 31964843 (cited by Institute of Human Genetics, Univ. Regensburg, Univ. Regensburg).

NM_206933.4(USH2A):c.10421A>G (p.Tyr3474Cys)

Gene: USH2A (usherin; minus strand). Cytogenetic location: 1q41.
Variant type: single nucleotide variant.
Coding change: c.10421A>G on transcript NM_206933.4 (MANE Select); coding-DNA position 10421, A replaced by G.
Protein change: p.Tyr3474Cys; replaces tyrosine 3474 with cysteine.
Molecular consequence: missense variant.
Genome position (GRCh38, 1-based): chr1:215,782,902, T>C on the plus strand (A>G on the coding strand, the complement: USH2A is on the minus strand). VCF-style: chr1-215782902-T-C. GRCh37 (hg19) VCF-style: chr1-215956244-T-C.
Other names: short protein forms Y3474C.
Identifiers: ClinVar variation 553994 (VCV000553994.12), dbSNP rs749121941, ClinGen allele CA1394016.
Genomic context (GRCh38, chr1:215,782,902, plus strand): 5'-GTTCTGGCTCTCACAGCTTTGCTGAGTCCTCGCCCATAGCTGTTCCAGGCAGAAATCCTG[T>C]ACTCATATGTCATGTAGGGCTTGAGGTTCACATCTGGAAAGAGAAAAAATAGACAGGGAA-3'
Protein context (NP_996816.3, residues 3464-3484): VNLKPYMTYE[Tyr3474Cys]RISAWNSYGR